The following is an entry in ClinVar:

ClinVar aggregate classification (germline): Uncertain significance. Review status: criteria provided, multiple submitters, no conflicts (2 of 4 stars). 2 submissions from 2 submitters: Uncertain significance (2). Last evaluated 2024-12-04.

Conditions:
Inborn genetic diseases. Identifiers: MedGen C0950123, MeSH D030342.
KBG syndrome (KBGS). Also called: ANKRD11-Related KBG Syndrome. Identifiers: Orphanet 2332, MedGen C0220687, MONDO:0007846, OMIM 148050.

Allele frequency attached by ClinVar (database versions not stated): TOPMed 0.00001.
gnomAD v4.1: 5 of 1,431,038 alleles (0.00035%); highest among the groups gnomAD compares: Admixed American, 0.011%; no homozygotes.

Submissions (2):

Labcorp Genetics (formerly Invitae), Labcorp
Classification: Uncertain significance for KBG syndrome. Last evaluated: 2024-12-04. Review status: criteria provided, single submitter. Criteria: Invitae Variant Classification Sherloc (09022015). Collection method: clinical testing. Allele origin: germline.
Comment: This sequence change replaces valine, which is neutral and non-polar, with leucine, which is neutral and non-polar, at codon 2329 of the ANKRD11 protein (p.Val2329Leu). This variant is present in population databases (rs760933701, gnomAD 0.02%). This variant has not been reported in the literature in individuals affected with ANKRD11-related conditions. ClinVar contains an entry for this variant (Variation ID: 589210). Invitae Evidence Modeling of protein sequence and biophysical properties (such as structural, functional, and spatial information, amino acid conservation, physicochemical variation, residue mobility, and thermodynamic stability) indicates that this missense variant is not expected to disrupt ANKRD11 protein function with a negative predictive value of 95%. In summary, the available evidence is currently insufficient to determine the role of this variant in disease. Therefore, it has been classified as a Variant of Uncertain Significance.

Ambry Genetics
Classification: Uncertain significance for Inborn genetic diseases. Last evaluated: 2017-05-31. Review status: criteria provided, single submitter. Criteria: Ambry Variant Classification Scheme 2023. Collection method: clinical testing. Allele origin: germline.
Comment: The p.V2329L variant (also known as c.6985G>C), located in coding exon 7 of the ANKRD11 gene, results from a G to C substitution at nucleotide position 6985. The valine at codon 2329 is replaced by leucine, an amino acid with highly similar properties. This amino acid position is not well conserved in available vertebrate species. In addition, this alteration is predicted to be tolerated by in silico analysis. Since supporting evidence is limited at this time, the clinical significance of this alteration remains unclear.

NM_013275.6(ANKRD11):c.6985G>C (p.Val2329Leu)

Gene: ANKRD11 (ankyrin repeat domain 11; minus strand). Cytogenetic location: 16q24.3.
Variant type: single nucleotide variant.
Coding change: c.6985G>C on transcript NM_013275.6 (MANE Select); coding-DNA position 6985, G replaced by C.
Protein change: p.Val2329Leu; replaces valine 2329 with leucine.
Molecular consequence: missense variant.
Genome position (GRCh38, 1-based): chr16:89,279,557, C>G on the plus strand (G>C on the coding strand, the complement: ANKRD11 is on the minus strand). VCF-style: chr16-89279557-C-G. GRCh37 (hg19) VCF-style: chr16-89345965-C-G.
Other names: c.6985G>C, p.Val2329Leu (NM_001256182.2, NM_001256183.2); short protein forms V2329L.
Identifiers: ClinVar variation 589210 (VCV000589210.10), dbSNP rs760933701, ClinGen allele CA8241304.
Genomic context (GRCh38, chr16:89,279,557, plus strand): 5'-TGCTCTGGTTCGCGAGCATCTGCGCCCGGTTCCTGGTCATGCGCTGAGGGATCTCCTCCA[C>G]TCGGGGGGCCTTCGGGGCTTCGGCCGTGGGTTTTGGTTCTGCGGCTTCCGGCTGGATGCC-3'
Protein context (NP_037407.4, residues 2319-2339): PTAEAPKAPR[Val2329Leu]EEIPQRMTRN